The following is an entry in ClinVar:

ClinVar aggregate classification (germline): Uncertain significance (1 of 4 stars; one submission).

Conditions:
Hereditary cancer-predisposing syndrome. Also called: Neoplastic Syndromes, Hereditary; Hereditary neoplastic syndrome; Tumor predisposition; Hereditary Cancer Syndrome. Identifiers: Orphanet 140162, MedGen C0027672, MeSH D009386, MONDO:0015356.

Submission:

Ambry Genetics
Classification: Uncertain significance for Hereditary cancer-predisposing syndrome. Last evaluated: 2022-12-17. Review status: criteria provided, single submitter. Criteria: Ambry Variant Classification Scheme 2023. Collection method: clinical testing. Allele origin: germline.
Comment: The p.N73I variant (also known as c.218A>T), located in coding exon 2 of the PDGFRA gene, results from an A to T substitution at nucleotide position 218. The asparagine at codon 73 is replaced by isoleucine, an amino acid with dissimilar properties. This amino acid position is conserved. In addition, this alteration is predicted to be tolerated by in silico analysis. Since supporting evidence is limited at this time, the clinical significance of this alteration remains unclear.

NM_006206.6(PDGFRA):c.218A>T (p.Asn73Ile)

Gene: PDGFRA (platelet derived growth factor receptor alpha; plus strand). Cytogenetic location: 4q12.
Variant type: single nucleotide variant.
Coding change: c.218A>T on transcript NM_006206.6 (MANE Select); coding-DNA position 218, A replaced by T.
Protein change: p.Asn73Ile; replaces asparagine 73 with isoleucine.
Molecular consequence: missense variant.
Genome position (GRCh38, 1-based): chr4:54,261,263, A>T. VCF-style: chr4-54261263-A-T. GRCh37 (hg19) VCF-style: chr4-55127430-A-T.
Other names: c.218A>T, p.Asn73Ile (NM_001347827.2, NM_001347829.2); c.293A>T, p.Asn98Ile (NM_001347828.2); c.257A>T, p.Asn86Ile (NM_001347830.2); short protein forms N86I, N98I, N73I.
Identifiers: ClinVar variation 2453858 (VCV002453858.2), dbSNP rs2475422465, ClinGen allele CA356888518.